The following is an entry in ClinVar:

ClinVar aggregate classification (germline): Pathogenic. Review status: criteria provided, multiple submitters, no conflicts (2 of 4 stars). 2 submissions from 2 submitters: Pathogenic (2). Last evaluated 2021-03-27.

Conditions:
Inborn genetic diseases. Identifiers: MedGen C0950123, MeSH D030342.

Submissions (2):

Labcorp Genetics (formerly Invitae), Labcorp
Classification: Pathogenic. Last evaluated: 2021-03-27. Review status: criteria provided, single submitter. Criteria: Invitae Variant Classification Sherloc (09022015). Collection method: clinical testing. Allele origin: germline.
Comment: This sequence change creates a premature translational stop signal (p.Trp189*) in the PORCN gene. It is expected to result in an absent or disrupted protein product. Loss-of-function variants in PORCN are known to be pathogenic (PMID: 17546030, 19309688). This variant is not present in population databases (ExAC no frequency). For these reasons, this variant has been classified as Pathogenic. This variant has been observed in individual(s) with focal dermal hypoplasia (PMID: 20854095).

Ambry Genetics
Classification: Pathogenic for Inborn genetic diseases. Last evaluated: 2018-02-15. Review status: criteria provided, single submitter. Criteria: Ambry Variant Classification Scheme 2023. Collection method: clinical testing. Allele origin: germline.
Comment: The p.W189* pathogenic mutation (also known as c.566G>A), located in coding exon 5 of the PORCN gene, results from a G to A substitution at nucleotide position 566. This changes the amino acid from a tryptophan to a stop codon within coding exon 5. This alteration was identified in an individual with a clinical diagnosis of focal dermal hypoplasia (Fernandes PH et al. Genet Test Mol Biomarkers, 2010 Oct;14:709-13). This alteration is expected to result in loss of function by premature protein truncation or nonsense-mediated mRNA decay. As such, this alteration is interpreted as a disease-causing mutation.

Literature cited by the submitters: PubMed 17546030 (cited by Labcorp Genetics (formerly Invitae), Labcorp); PubMed 19309688 (cited by Labcorp Genetics (formerly Invitae), Labcorp); PubMed 20854095 (cited by Labcorp Genetics (formerly Invitae), Labcorp and Ambry Genetics).

NM_203475.3(PORCN):c.566G>A (p.Trp189Ter)

Gene: PORCN (porcupine O-acyltransferase; plus strand). Cytogenetic location: Xp11.23.
Variant type: single nucleotide variant.
Coding change: c.566G>A on transcript NM_203475.3 (MANE Select); coding-DNA position 566, G replaced by A.
Protein change: p.Trp189Ter; replaces tryptophan 189 with a stop codon.
Molecular consequence: nonsense.
Genome position (GRCh38, 1-based): chrX:48,512,599, G>A. VCF-style: chrX-48512599-G-A. GRCh37 (hg19) VCF-style: chrX-48370987-G-A.
Other names: c.353G>A, p.Trp118Ter (NM_001282167.2); c.566G>A, p.Trp189Ter (NM_022825.4, NM_203473.3, NM_203474.1); short protein forms W118*, W189*.
Identifiers: ClinVar variation 1371874 (VCV001371874.10), dbSNP rs2147124229, ClinGen allele CA412844764.